The following is an entry in ClinVar:

ClinVar aggregate classification (germline): Uncertain significance (1 of 4 stars; one submission).

gnomAD v4.1: 1 of 1,613,760 alleles (0.000062%); highest among the groups gnomAD compares: Non-Finnish European, 0.000085%; no homozygotes.

Submission:

GeneDx
Classification: Uncertain significance. Last evaluated: 2022-02-28. Review status: criteria provided, single submitter. Criteria: GeneDx Variant Classification Process June 2021. Collection method: clinical testing. Allele origin: germline. Affected: yes.
Comment: Not observed at significant frequency in large population cohorts (gnomAD); In silico analysis supports that this missense variant has a deleterious effect on protein structure/function; Has not been previously published as pathogenic or benign to our knowledge; Variants in candidate genes are classified as variants of uncertain significance in accordance with ACMG guidelines (Richards et al., 2015)

NM_002819.5(PTBP1):c.298G>A (p.Glu100Lys)

Gene: PTBP1 (polypyrimidine tract binding protein 1; plus strand). Cytogenetic location: 19p13.3.
Variant type: single nucleotide variant.
Coding change: c.298G>A on transcript NM_002819.5 (MANE Select); coding-DNA position 298, G replaced by A.
Protein change: p.Glu100Lys; replaces glutamic acid 100 with lysine.
Molecular consequence: missense variant.
Genome position (GRCh38, 1-based): chr19:804,301, G>A. VCF-style: chr19-804301-G-A. GRCh37 (hg19) VCF-style: chr19-804301-G-A.
Other names: c.304G>A, p.Glu102Lys (NM_001411140.1); c.298G>A, p.Glu100Lys (NM_031990.4, NM_031991.4); short protein forms E100K, E102K.
Identifiers: ClinVar variation 4282355 (VCV004282355.1).
Genomic context (GRCh38, chr19:804,301, plus strand): 5'-ACCGTGCAGGCGGGGACGAGGAGGGCCCAGCGCTCACTGCCTCCCCAACAGGCCTTCATC[G>A]AGATGAACACGGAGGAGGCTGCCAACACCATGGTGAACTACTACACCTCGGTGACCCCTG-3'
Protein context (NP_002810.1, residues 90-110): MLKGKNQAFI[Glu100Lys]MNTEEAANTM